The following is an entry in ClinVar:

ClinVar aggregate classification (germline): Uncertain significance (1 of 4 stars; one submission).

Conditions:
Hereditary breast ovarian cancer syndrome. Also called: Hereditary breast and ovarian cancer syndrome; Hereditary breast and ovarian cancer syndrome (HBOC); BRCA1- and BRCA2-Associated Hereditary Breast and Ovarian Cancer; Hereditary breast and ovarian cancer; Breast and ovarian cancer; Hereditary breast and/or ovarian cancer syndrome. Identifiers: Orphanet 145, MedGen C0677776, MeSH D061325, MONDO:0003582. Disease mechanism: loss of function.

gnomAD v4.1: 1 of 1,612,802 alleles (0.000062%); highest among the groups gnomAD compares: Non-Finnish European, 0.000085%; no homozygotes.

Submission:

Labcorp Genetics (formerly Invitae), Labcorp
Classification: Uncertain significance for Hereditary breast ovarian cancer syndrome. Last evaluated: 2024-03-25. Review status: criteria provided, single submitter. Criteria: Invitae Variant Classification Sherloc (09022015). Collection method: clinical testing. Allele origin: germline.
Comment: This sequence change replaces lysine, which is basic and polar, with threonine, which is neutral and polar, at codon 586 of the BRCA2 protein (p.Lys586Thr). This variant is not present in population databases (gnomAD no frequency). This variant has not been reported in the literature in individuals affected with BRCA2-related conditions. Advanced modeling of protein sequence and biophysical properties (such as structural, functional, and spatial information, amino acid conservation, physicochemical variation, residue mobility, and thermodynamic stability) performed at Invitae indicates that this missense variant is not expected to disrupt BRCA2 protein function with a negative predictive value of 95%. In summary, the available evidence is currently insufficient to determine the role of this variant in disease. Therefore, it has been classified as a Variant of Uncertain Significance.

NM_000059.4(BRCA2):c.1757A>C (p.Lys586Thr)

Gene: BRCA2 (BRCA2 DNA repair associated; plus strand). Cytogenetic location: 13q13.1.
Variant type: single nucleotide variant.
Coding change: c.1757A>C on transcript NM_000059.4 (MANE Select); coding-DNA position 1757, A replaced by C.
Protein change: p.Lys586Thr; replaces lysine 586 with threonine.
Molecular consequence: missense variant. On other transcripts: non-coding transcript variant (1), intron variant (1).
Genome position (GRCh38, 1-based): chr13:32,333,235, A>C. VCF-style: chr13-32333235-A-C. GRCh37 (hg19) VCF-style: chr13-32907372-A-C.
Other names: c.1757A>C, p.Lys586Thr (NM_001406719.1, NM_001406720.1, NM_001406721.1 and 1 more transcripts); c.424+2205A>C (NM_001406722.1); short protein forms K586T.
Identifiers: ClinVar variation 3636432 (VCV003636432.2).